The following is an entry in ClinVar:

NM_013266.4(CTNNA3):c.533G>A (p.Gly178Glu)

Gene: CTNNA3 (catenin alpha 3; minus strand). Cytogenetic location: 10q21.3.
Variant type: single nucleotide variant.
Coding change: c.533G>A on transcript NM_013266.4 (MANE Select); coding-DNA position 533, G replaced by A.
Protein change: p.Gly178Glu; replaces glycine 178 with glutamic acid.
Molecular consequence: missense variant.
Genome position (GRCh38, 1-based): chr10:67,521,888, C>T on the plus strand (G>A on the coding strand, the complement: CTNNA3 is on the minus strand). VCF-style: chr10-67521888-C-T. GRCh37 (hg19) VCF-style: chr10-69281646-C-T.
Other names: c.569G>A, p.Gly190Glu (NM_001291133.2); c.533G>A, p.Gly178Glu (NM_001127384.3); short protein forms G178E, G190E.
Identifiers: ClinVar variation 3226243 (VCV003226243.1), dbSNP rs1839998869, ClinGen allele CA377097525.
Genomic context (GRCh38, chr10:67,521,888, plus strand): 5'-GCTCTGACTCCTACCTGCTGACGTTTGAAGGCTAAATAATCCAAATTTTCCAGCTCCTTC[C>T]CAAGCTTCTGGTAGGTTTTCTGGAGGTCAGATTTGTTGGCAACATTTTTGAGAGACTCAA-3'
Protein context (NP_037398.2, residues 168-188): SDLQKTYQKL[Gly178Glu]KELENLDYLA

ClinVar aggregate classification (germline): Uncertain significance (1 of 4 stars; one submission).

Allele frequency attached by ClinVar (database versions not stated): gnomAD exomes below 0.00001; TOPMed below 0.00001; gnomAD 0.00001.
gnomAD v4.1: 2 of 1,612,552 alleles (0.00012%); highest among the groups gnomAD compares: African/African-American, 0.0027%; no homozygotes.

Submission:

Ambry Genetics
Classification: Uncertain significance. Last evaluated: 2023-12-22. Review status: criteria provided, single submitter. Criteria: Ambry Variant Classification Scheme 2023. Collection method: clinical testing. Allele origin: germline.
Comment: The p.G178E variant (also known as c.533G>A), located in coding exon 4 of the CTNNA3 gene, results from a G to A substitution at nucleotide position 533. The glycine at codon 178 is replaced by glutamic acid, an amino acid with similar properties. This amino acid position is conserved. In addition, the in silico prediction for this alteration is inconclusive. Since supporting evidence is limited at this time, the clinical significance of this alteration remains unclear.